The following is an entry in ClinVar:

NM_006725.5(CD6):c.567T>C (p.Thr189=)

Gene: CD6 (CD6 molecule; plus strand). Cytogenetic location: 11q12.2.
Variant type: single nucleotide variant.
Coding change: c.567T>C on transcript NM_006725.5 (MANE Select); coding-DNA position 567, T replaced by C.
Protein change: p.Thr189=; no amino-acid change (threonine 189 retained).
Molecular consequence: synonymous variant. On other transcripts: non-coding transcript variant (1).
Genome position (GRCh38, 1-based): chr11:61,008,631, T>C. VCF-style: chr11-61008631-T-C. GRCh37 (hg19) VCF-style: chr11-60776103-T-C.
Other names: c.567T>C, p.Thr189= (NM_001254750.2, NM_001254751.2).
Identifiers: ClinVar variation 3059657 (VCV003059657.2), dbSNP rs61899223, ClinGen allele CA6029948.

ClinVar aggregate classification (germline): Benign (0 of 4 stars; one submission).

Conditions:
CD6-related disorder. Also called: CD6-related condition.

Allele frequency attached by ClinVar (database versions not stated): gnomAD 0.15642; 1000 Genomes Project 0.15875; 1000 Genomes Project 30x 0.16224; TOPMed 0.16587; ExAC 0.16815; ESP Exome Variant Server 0.17275.
gnomAD v4.1: 217,814 of 1,607,596 alleles (14%); highest among the groups gnomAD compares: African/African-American, 25%; 15,687 homozygotes.

Submission:

PreventionGenetics, part of Exact Sciences
Classification: Benign for CD6-related condition. Last evaluated: 2019-11-01. Review status: no assertion criteria provided. Collection method: clinical testing. Allele origin: germline.
Comment: This variant is classified as benign based on ACMG/AMP sequence variant interpretation guidelines (Richards et al. 2015 PMID: 25741868, with internal and published modifications).